The following is an entry in ClinVar:

ClinVar aggregate classification (germline): Benign/Likely benign. Review status: criteria provided, multiple submitters, no conflicts (2 of 4 stars). 3 submissions from 3 submitters: Benign (1); Likely benign (2). Last evaluated 2024-11-07.

Conditions:
Hereditary cancer-predisposing syndrome. Also called: Neoplastic Syndromes, Hereditary; Tumor predisposition; Hereditary Cancer Syndrome; Hereditary neoplastic syndrome. Identifiers: Orphanet 140162, MedGen C0027672, MeSH D009386, MONDO:0015356.
Renal cell carcinoma. Identifiers: Orphanet 217071, MedGen C0007134, MeSH D002292, MONDO:0005086, HP:0005584.
Papillary renal cell carcinoma type 1 (RCCP1). Also called: RENAL CELL CARCINOMA, PAPILLARY, 1, SOMATIC; Renal adenocarcinoma; Renal cell carcinoma 1; Renal cell carcinoma, somatic. Identifiers: Orphanet 47044, MedGen C1336839, OMIM 605074, HP:0011797.

Allele frequency attached by ClinVar (database versions not stated): gnomAD exomes below 0.00001.
gnomAD v4.1: 3 of 1,614,016 alleles (0.00019%); highest among the groups gnomAD compares: East Asian, 0.0045%; no homozygotes.

Submissions (3):

Myriad Genetics, Inc.
Classification: Benign for Papillary renal cell carcinoma type 1. Last evaluated: 2024-11-07. Review status: criteria provided, single submitter. Criteria: Myriad Autosomal Dominant, Autosomal Recessive and X-Linked Classification Criteria (2023). Collection method: clinical testing. Allele origin: unknown.
Comment: This variant is considered benign. This variant is a silent/synonymous amino acid change and it is not expected to impact splicing.

Labcorp Genetics (formerly Invitae), Labcorp
Classification: Likely benign for Renal cell carcinoma. Last evaluated: 2024-07-22. Review status: criteria provided, single submitter. Criteria: Invitae Variant Classification Sherloc (09022015). Collection method: clinical testing. Allele origin: germline.

Ambry Genetics
Classification: Likely benign for Hereditary cancer-predisposing syndrome. Last evaluated: 2019-04-23. Review status: criteria provided, single submitter. Criteria: Ambry Variant Classification Scheme 2023. Collection method: clinical testing. Allele origin: germline.

NM_000245.4(MET):c.1638G>A (p.Val546=)

Gene: MET (MET proto-oncogene, receptor tyrosine kinase; plus strand). Cytogenetic location: 7q31.2.
Variant type: single nucleotide variant.
Coding change: c.1638G>A on transcript NM_000245.4 (MANE Select); coding-DNA position 1638, G replaced by A.
Protein change: p.Val546=; no amino-acid change (valine 546 retained).
Molecular consequence: synonymous variant.
Genome position (GRCh38, 1-based): chr7:116,740,962, G>A. VCF-style: chr7-116740962-G-A. GRCh37 (hg19) VCF-style: chr7-116381016-G-A.
Other names: c.1638G>A, p.Val546= (NM_001127500.3, NM_001324401.3); c.348G>A, p.Val116= (NM_001324402.2).
Identifiers: ClinVar variation 819722 (VCV000819722.13), dbSNP rs1240760202, ClinGen allele CA457215609.